The following is an entry in ClinVar:

NM_130384.3(ATRIP):c.1426G>A (p.Val476Met)

Genes: ATRIP (ATR interacting protein; plus strand), ATRIP-TREX1 (ATRIP-TREX1 readthrough; plus strand). Cytogenetic location: 3p21.31.
Variant type: single nucleotide variant.
Coding change: c.1426G>A on transcript NM_130384.3 (MANE Select); coding-DNA position 1426, G replaced by A.
Protein change: p.Val476Met; replaces valine 476 with methionine.
Molecular consequence: missense variant. On other transcripts: non-coding transcript variant (1).
Genome position (GRCh38, 1-based): chr3:48,460,480, G>A. VCF-style: chr3-48460480-G-A. GRCh37 (hg19) VCF-style: chr3-48501879-G-A.
Other names: c.1045G>A, p.Val349Met (NM_001271022.2); c.1147G>A, p.Val383Met (NM_001271023.2); c.1426G>A, p.Val476Met (NM_032166.4); short protein forms V349M, V383M, V476M.
Identifiers: ClinVar variation 4867187 (VCV004867187.1).

ClinVar aggregate classification (germline): Uncertain significance (1 of 4 stars; one submission).

Submission:

Ambry Genetics
Classification: Uncertain significance. Last evaluated: 2026-03-17. Review status: criteria provided, single submitter. Criteria: Ambry Variant Classification Scheme 2023. Collection method: clinical testing. Allele origin: germline.
Comment: The p.V476M variant (also known as c.1426G>A), located in coding exon 8 of the ATRIP gene, results from a G to A substitution at nucleotide position 1426. The valine at codon 476 is replaced by methionine, an amino acid with highly similar properties. This amino acid position is conserved. In addition, this alteration is predicted to be tolerated by in silico analysis. Based on the available evidence, the clinical significance of this variant remains unclear.